The following is an entry in ClinVar:

NM_199242.3(UNC13D):c.2473A>C (p.Thr825Pro)

Gene: UNC13D (unc-13 homolog D; minus strand). Cytogenetic location: 17q25.1.
Variant type: single nucleotide variant.
Coding change: c.2473A>C on transcript NM_199242.3 (MANE Select); coding-DNA position 2473, A replaced by C.
Protein change: p.Thr825Pro; replaces threonine 825 with proline.
Molecular consequence: missense variant.
Genome position (GRCh38, 1-based): chr17:75,831,323, T>G on the plus strand (A>C on the coding strand, the complement: UNC13D is on the minus strand). VCF-style: chr17-75831323-T-G. GRCh37 (hg19) VCF-style: chr17-73827404-T-G.
Other names: short protein forms T825P.
Identifiers: ClinVar variation 1510222 (VCV001510222.8), dbSNP rs1330364586, ClinGen allele CA401082671.

ClinVar aggregate classification (germline): Uncertain significance (1 of 4 stars; one submission).

Conditions:
Familial hemophagocytic lymphohistiocytosis 3 (FHL3). Also called: UNC13D-Related Familial Hemophagocytic Lymphohistiocytosis (UNC13D-fHLH). Identifiers: Orphanet 540, MedGen C1837174, MONDO:0012146, OMIM 608898.

Allele frequency attached by ClinVar (database versions not stated): gnomAD exomes below 0.00001.

Submission:

Labcorp Genetics (formerly Invitae), Labcorp
Classification: Uncertain significance for Familial hemophagocytic lymphohistiocytosis 3. Last evaluated: 2024-03-11. Review status: criteria provided, single submitter. Criteria: Invitae Variant Classification Sherloc (09022015). Collection method: clinical testing. Allele origin: germline.
Comment: This sequence change replaces threonine, which is neutral and polar, with proline, which is neutral and non-polar, at codon 825 of the UNC13D protein (p.Thr825Pro). This variant is present in population databases (no rsID available, gnomAD 0.0009%). This missense change has been observed in individual(s) with hemophagocytic lymphohistiocytosis (PMID: 19903216). In at least one individual the data is consistent with being in trans (on the opposite chromosome) from a pathogenic variant. ClinVar contains an entry for this variant (Variation ID: 1510222). Advanced modeling of protein sequence and biophysical properties (such as structural, functional, and spatial information, amino acid conservation, physicochemical variation, residue mobility, and thermodynamic stability) performed at Invitae indicates that this missense variant is expected to disrupt UNC13D protein function with a positive predictive value of 80%. In summary, the available evidence is currently insufficient to determine the role of this variant in disease. Therefore, it has been classified as a Variant of Uncertain Significance.

Literature cited by the submitters: PubMed 19903216.